The following is an entry in ClinVar:

NM_001365536.1(SCN9A):c.290T>A (p.Ile97Asn)

Gene: SCN9A (sodium voltage-gated channel alpha subunit 9; minus strand). Cytogenetic location: 2q24.3.
Variant type: single nucleotide variant.
Coding change: c.290T>A on transcript NM_001365536.1 (MANE Select); coding-DNA position 290, T replaced by A.
Protein change: p.Ile97Asn; replaces isoleucine 97 with asparagine.
Molecular consequence: missense variant.
Genome position (GRCh38, 1-based): chr2:166,307,043, A>T on the plus strand (T>A on the coding strand, the complement: SCN9A is on the minus strand). VCF-style: chr2-166307043-A-T. GRCh37 (hg19) VCF-style: chr2-167163553-A-T.
Other names: c.290T>A, p.Ile97Asn (NM_002977.4); short protein forms I97N.
Identifiers: ClinVar variation 643287 (VCV000643287.11), dbSNP rs753812341, ClinGen allele CA1944833.

ClinVar aggregate classification (germline): Uncertain significance (1 of 4 stars; one submission).

Conditions:
Generalized epilepsy with febrile seizures plus, type 7 (GEFSP7). Also called: GEFS+, TYPE 7. Identifiers: Orphanet 36387, MedGen C2751778, MONDO:0013470, OMIM 613863.
Neuropathy, hereditary sensory and autonomic, type 2A (HSAN2A). Also called: HSAN IIA; ACROOSTEOLYSIS, GIACCAI TYPE; ACROOSTEOLYSIS, NEUROGENIC; MORVAN DISEASE; NEUROPATHY, CONGENITAL SENSORY; NEUROPATHY, HEREDITARY SENSORY RADICULAR, AUTOSOMAL RECESSIVE. Identifiers: Orphanet 970, MedGen C2752089, MONDO:0024309, OMIM 201300.

Allele frequency attached by ClinVar (database versions not stated): gnomAD exomes below 0.00001 and 0.00002; ExAC 0.00002.
gnomAD v4.1: 5 of 1,610,942 alleles (0.00031%); highest among the groups gnomAD compares: Admixed American, 0.0083%; no homozygotes.

Submission:

Labcorp Genetics (formerly Invitae), Labcorp
Classification: Uncertain significance for Neuropathy, hereditary sensory and autonomic, type 2A; Generalized epilepsy with febrile seizures plus, type 7. Last evaluated: 2025-05-10. Review status: criteria provided, single submitter. Criteria: Invitae Variant Classification Sherloc (09022015). Collection method: clinical testing. Allele origin: germline.
Comment: This sequence change replaces isoleucine, which is neutral and non-polar, with asparagine, which is neutral and polar, at codon 97 of the SCN9A protein (p.Ile97Asn). This variant is present in population databases (rs753812341, gnomAD 0.02%). This variant has not been reported in the literature in individuals affected with SCN9A-related conditions. ClinVar contains an entry for this variant (Variation ID: 643287). Invitae Evidence Modeling of protein sequence and biophysical properties (such as structural, functional, and spatial information, amino acid conservation, physicochemical variation, residue mobility, and thermodynamic stability) has been performed for this missense variant. However, the output from this modeling did not meet the statistical confidence thresholds required to predict the impact of this variant on SCN9A protein function. In summary, the available evidence is currently insufficient to determine the role of this variant in disease. Therefore, it has been classified as a Variant of Uncertain Significance.